The following is an entry in ClinVar:

ClinVar aggregate classification (germline): Uncertain significance (1 of 4 stars; one submission).

Submission:

Labcorp Genetics (formerly Invitae), Labcorp
Classification: Uncertain significance. Last evaluated: 2020-12-09. Review status: criteria provided, single submitter. Criteria: Invitae Variant Classification Sherloc (09022015). Collection method: clinical testing. Allele origin: germline.
Comment: In summary, the available evidence is currently insufficient to determine the role of this variant in disease. Therefore, it has been classified as a Variant of Uncertain Significance. Algorithms developed to predict the effect of missense changes on protein structure and function are either unavailable or do not agree on the potential impact of this missense change (SIFT: "Deleterious"; PolyPhen-2: "Possibly Damaging"; Align-GVGD: "Class C0"). This variant is not present in population databases (ExAC no frequency). This sequence change replaces methionine with arginine at codon 435 of the PHEX protein (p.Met435Arg). The methionine residue is moderately conserved and there is a moderate physicochemical difference between methionine and arginine.

NM_000444.6(PHEX):c.1304T>G (p.Met435Arg)

Gene: PHEX (phosphate regulating endopeptidase X-linked; plus strand). Cytogenetic location: Xp22.11.
Variant type: single nucleotide variant.
Coding change: c.1304T>G on transcript NM_000444.6 (MANE Select); coding-DNA position 1304, T replaced by G.
Protein change: p.Met435Arg; replaces methionine 435 with arginine.
Molecular consequence: missense variant.
Genome position (GRCh38, 1-based): chrX:22,133,524, T>G. VCF-style: chrX-22133524-T-G. GRCh37 (hg19) VCF-style: chrX-22151641-T-G.
Other names: c.1304T>G, p.Met435Arg (NM_001282754.2); short protein forms M435R.
Identifiers: ClinVar variation 1002930 (VCV001002930.8), dbSNP rs1932101873, ClinGen allele CA412574530.